The following is an entry in ClinVar:

ClinVar aggregate classification (germline): Likely pathogenic. Review status: criteria provided, single submitter (1 of 4 stars). 2 submissions from 1 submitter: Likely pathogenic (1). 1 of the submissions does not count toward it. Last evaluated 2018-05-18.

Conditions:
Retinal dystrophy. Also called: Inherited retinal dystrophy. Identifiers: Orphanet 71862, MedGen C0854723, MeSH D058499, MONDO:0019118, HP:0000556.
Retinitis pigmentosa 3. Also called: CHOROIDORETINAL DEGENERATION WITH RETINAL REFLEX IN HETEROZYGOUS WOMEN. Identifiers: Orphanet 791, MedGen C1845667, MONDO:0010227, OMIM 300029.

Submissions (2):

Blueprint Genetics
Classification: Likely pathogenic for Retinal dystrophy. Last evaluated: 2018-05-18. Review status: criteria provided, single submitter. Criteria: Blueprint Genetics Variant Classification Scheme. Collection method: clinical testing. Allele origin: germline. Affected: yes.

Blueprint Genetics
Classification: Likely pathogenic for Retinitis pigmentosa 3. Review status: no assertion criteria provided. Collection method: clinical testing. Allele origin: germline. Affected: yes. Not counted in ClinVar's aggregate classification.

NM_001034853.2(RPGR):c.2764dup (p.Glu922fs)

Gene: RPGR (retinitis pigmentosa GTPase regulator; minus strand). Cytogenetic location: Xp11.4.
Variant type: Duplication.
Coding change: c.2764dup on transcript NM_001034853.2 (MANE Select); coding-DNA position 2764, one base duplicated (G; older notation c.2764dupG).
Protein change: p.Glu922fs; shifts the reading frame from glutamic acid 922.
Molecular consequence: frameshift variant. On other transcripts: intron variant (8).
Genome position (GRCh38, 1-based): chrX:38,286,235, C duplicated on the plus strand (G on the coding strand, the reverse complement: RPGR is on the minus strand); the first of 4 consecutive C bases (chrX:38,286,235-38,286,238); duplicating any one gives the same sequence. VCF-style (leftmost placement, unchanged base first): chrX-38286234-T-TC. GRCh37 (hg19) VCF-style: chrX-38145487-T-TC.
Other names: c.1569+4721dup (NM_001367249.1, NM_001367250.1); c.1902+856dup (NM_001367245.1); c.1386+4721dup (NM_001367251.1); c.1719+856dup (NM_001367246.1); c.1572+4721dup (NM_001367247.1); c.1905+856dup (NM_000328.3); c.1602+4721dup (NM_001367248.1); short protein forms E922fs.
Identifiers: ClinVar variation 866081 (VCV000866081.2), dbSNP rs2067157388, ClinGen allele CA916083883.